The following is an entry in ClinVar:

ClinVar aggregate classification (germline): Likely benign. Review status: criteria provided, multiple submitters, no conflicts (2 of 4 stars). 2 submissions from 2 submitters: Likely benign (2). Last evaluated 2024-10-27.

Conditions:
COL17A1-related disorder. Also called: COL17A1-related condition.

Allele frequency attached by ClinVar (database versions not stated): gnomAD 0.00001; gnomAD exomes 0.00001; TOPMed 0.00002.
gnomAD v4.1: 12 of 1,613,902 alleles (0.00074%); highest among the groups gnomAD compares: Admixed American, 0.01%; no homozygotes.

Submissions (2):

PreventionGenetics, part of Exact Sciences
Classification: Likely benign for COL17A1-related condition. Last evaluated: 2024-10-27. Review status: criteria provided, single submitter. Criteria: ACMG Guidelines, 2015. Collection method: clinical testing. Allele origin: germline.
Comment: This variant is classified as likely benign based on ACMG/AMP sequence variant interpretation guidelines (Richards et al. 2015 PMID: 25741868, with internal and published modifications).

Labcorp Genetics (formerly Invitae), Labcorp
Classification: Likely benign. Last evaluated: 2024-07-01. Review status: criteria provided, single submitter. Criteria: Invitae Variant Classification Sherloc (09022015). Collection method: clinical testing. Allele origin: germline.

NM_000494.4(COL17A1):c.4041T>C (p.Tyr1347=)

Gene: COL17A1 (collagen type XVII alpha 1 chain; minus strand). Cytogenetic location: 10q25.1.
Variant type: single nucleotide variant.
Coding change: c.4041T>C on transcript NM_000494.4 (MANE Select); coding-DNA position 4041, T replaced by C.
Protein change: p.Tyr1347=; no amino-acid change (tyrosine 1347 retained).
Molecular consequence: synonymous variant.
Genome position (GRCh38, 1-based): chr10:104,034,060, A>G on the plus strand (T>C on the coding strand, the complement: COL17A1 is on the minus strand). VCF-style: chr10-104034060-A-G. GRCh37 (hg19) VCF-style: chr10-105793818-A-G.
Other names: c.4041T>C (NM_000494.3).
Identifiers: ClinVar variation 2998955 (VCV002998955.4), dbSNP rs945600680, ClinGen allele CA212449922.